The following is an entry in ClinVar:

NM_001289808.2(CRYAB):c.21C>G (p.His7Gln)

Gene: CRYAB (crystallin alpha B; minus strand). Cytogenetic location: 11q23.1.
Variant type: single nucleotide variant.
Coding change: c.21C>G on transcript NM_001289808.2 (MANE Select); coding-DNA position 21, C replaced by G.
Protein change: p.His7Gln; replaces histidine 7 with glutamine.
Molecular consequence: missense variant.
Genome position (GRCh38, 1-based): chr11:111,911,704, G>C on the plus strand (C>G on the coding strand, the complement: CRYAB is on the minus strand). VCF-style: chr11-111911704-G-C. GRCh37 (hg19) VCF-style: chr11-111782428-G-C.
Other names: c.21C>G, p.His7Gln (NM_001289807.1, NM_001368245.1, NM_001885.3); short protein forms H7Q.
Identifiers: ClinVar variation 1020825 (VCV001020825.7), dbSNP rs1555165608, ClinGen allele CA382601170.

ClinVar aggregate classification (germline): Uncertain significance (1 of 4 stars; one submission).

Conditions:
Dilated cardiomyopathy 1II (CMD1II). Identifiers: Orphanet 154, MedGen C3554649, MONDO:0014073, OMIM 615184.

gnomAD v4.1: 1 of 1,592,026 alleles (0.000063%); highest among the groups gnomAD compares: Non-Finnish European, 0.000086%; no homozygotes.

Submission:

Labcorp Genetics (formerly Invitae), Labcorp
Classification: Uncertain significance for Dilated cardiomyopathy 1II. Last evaluated: 2022-05-16. Review status: criteria provided, single submitter. Criteria: Invitae Variant Classification Sherloc (09022015). Collection method: clinical testing. Allele origin: germline.
Comment: In summary, the available evidence is currently insufficient to determine the role of this variant in disease. Therefore, it has been classified as a Variant of Uncertain Significance. Algorithms developed to predict the effect of sequence changes on RNA splicing suggest that this variant may create or strengthen a splice site. Algorithms developed to predict the effect of missense changes on protein structure and function are either unavailable or do not agree on the potential impact of this missense change (SIFT: "Deleterious"; PolyPhen-2: "Benign"; Align-GVGD: "Class C0"). ClinVar contains an entry for this variant (Variation ID: 1020825). This missense change has been observed in individual(s) with clinical features of CRYAB-related conditions (PMID: 21520333). This variant is not present in population databases (gnomAD no frequency). This sequence change replaces histidine, which is basic and polar, with glutamine, which is neutral and polar, at codon 7 of the CRYAB protein (p.His7Gln).

Literature cited by the submitters: PubMed 21520333.